The following is an entry in ClinVar:

NM_000321.3(RB1):c.2244G>C (p.Glu748Asp)

Gene: RB1 (RB transcriptional corepressor 1; plus strand). Cytogenetic location: 13q14.2.
Variant type: single nucleotide variant.
Coding change: c.2244G>C on transcript NM_000321.3 (MANE Select); coding-DNA position 2244, G replaced by C.
Protein change: p.Glu748Asp; replaces glutamic acid 748 with aspartic acid.
Molecular consequence: missense variant.
Genome position (GRCh38, 1-based): chr13:48,465,030, G>C. VCF-style: chr13-48465030-G-C. GRCh37 (hg19) VCF-style: chr13-49039166-G-C.
Other names: short protein forms E748D.
Identifiers: ClinVar variation 1026177 (VCV001026177.8), dbSNP rs1131690911, ClinGen allele CA388167550.

ClinVar aggregate classification (germline): Uncertain significance (1 of 4 stars; one submission).

Conditions:
Retinoblastoma (RB1). Also called: RETINOBLASTOMA, SOMATIC. Identifiers: Orphanet 790, MedGen C0035335, MeSH D012175, MONDO:0008380, OMIM 180200, HP:0009919. Disease mechanism: loss of function. Inheritance: Both sporadic and heritable forms are tested..

Submission:

Labcorp Genetics (formerly Invitae), Labcorp
Classification: Uncertain significance for Retinoblastoma. Last evaluated: 2025-07-30. Review status: criteria provided, single submitter. Criteria: Invitae Variant Classification Sherloc (09022015). Collection method: clinical testing. Allele origin: germline.
Comment: This sequence change replaces glutamic acid, which is acidic and polar, with aspartic acid, which is acidic and polar, at codon 748 of the RB1 protein (p.Glu748Asp). This variant is not present in population databases (gnomAD no frequency). This variant has not been reported in the literature in individuals affected with RB1-related conditions. ClinVar contains an entry for this variant (Variation ID: 1026177). Invitae Evidence Modeling of protein sequence and biophysical properties (such as structural, functional, and spatial information, amino acid conservation, physicochemical variation, residue mobility, and thermodynamic stability) indicates that this missense variant is not expected to disrupt RB1 protein function with a negative predictive value of 80%. In summary, the available evidence is currently insufficient to determine the role of this variant in disease. Therefore, it has been classified as a Variant of Uncertain Significance.